The following is an entry in ClinVar:

NM_016578.4(RSF1):c.1565T>G (p.Ile522Ser)

Gene: RSF1 (remodeling and spacing factor 1; minus strand). Cytogenetic location: 11q14.1.
Variant type: single nucleotide variant.
Coding change: c.1565T>G on transcript NM_016578.4 (MANE Select); coding-DNA position 1565, T replaced by G.
Protein change: p.Ile522Ser; replaces isoleucine 522 with serine.
Molecular consequence: missense variant.
Genome position (GRCh38, 1-based): chr11:77,701,664, A>C on the plus strand (T>G on the coding strand, the complement: RSF1 is on the minus strand). VCF-style: chr11-77701664-A-C. GRCh37 (hg19) VCF-style: chr11-77412709-A-C.
Other names: short protein forms I522S.
Identifiers: ClinVar variation 5017596 (VCV005017596.1).

ClinVar aggregate classification (germline): Uncertain significance (1 of 4 stars; one submission).

Submission:

GeneDx
Classification: Uncertain significance. Last evaluated: 2026-03-26. Review status: criteria provided, single submitter. Criteria: GeneDx Variant Classification Process June 2021. Collection method: clinical testing. Allele origin: germline.
Comment: Not observed at significant frequency in large population cohorts (gnomAD); In silico analysis suggests that this missense variant does not alter protein structure/function; Has not been previously published as pathogenic or benign to our knowledge